The following is an entry in ClinVar:

NM_198253.3(TERT):c.1081G>A (p.Val361Met)

Gene: TERT (telomerase reverse transcriptase; minus strand). Cytogenetic location: 5p15.33.
Variant type: single nucleotide variant.
Coding change: c.1081G>A on transcript NM_198253.3 (MANE Select); coding-DNA position 1081, G replaced by A.
Protein change: p.Val361Met; replaces valine 361 with methionine.
Molecular consequence: missense variant. On other transcripts: non-coding transcript variant (2).
Genome position (GRCh38, 1-based): chr5:1,293,805, C>T on the plus strand (G>A on the coding strand, the complement: TERT is on the minus strand). VCF-style: chr5-1293805-C-T. GRCh37 (hg19) VCF-style: chr5-1293920-C-T.
Other names: c.1081G>A, p.Val361Met (NM_001193376.3); short protein forms V361M.
Identifiers: ClinVar variation 3367232 (VCV003367232.1).

ClinVar aggregate classification (germline): Uncertain significance (1 of 4 stars; one submission).

gnomAD v4.1: 1 of 1,550,638 alleles (0.000064%); highest among the groups gnomAD compares: Non-Finnish European, 0.000087%; no homozygotes.

Submission:

GeneDx
Classification: Uncertain significance. Last evaluated: 2023-12-29. Review status: criteria provided, single submitter. Criteria: GeneDx Variant Classification Process June 2021. Collection method: clinical testing. Allele origin: germline. Affected: yes.
Comment: Not observed at significant frequency in large population cohorts (gnomAD); In silico analysis supports that this missense variant does not alter protein structure/function; Has not been previously published as pathogenic or benign to our knowledge